The following is an entry in ClinVar:

ClinVar aggregate classification (germline): Uncertain significance (1 of 4 stars; one submission).

Submission:

GeneDx
Classification: Uncertain significance. Last evaluated: 2023-02-08. Review status: criteria provided, single submitter. Criteria: GeneDx Variant Classification Process June 2021. Collection method: clinical testing. Allele origin: germline. Affected: yes.
Comment: In-frame deletion of 6 amino acids in a non-repeat region; Not observed at significant frequency in large population cohorts (gnomAD); In silico analysis supports that this variant does not alter protein structure/function; Has not been previously published as pathogenic or benign to our knowledge

NM_003900.5(SQSTM1):c.101_118del (p.Glu34_Ala39del)

Gene: SQSTM1 (sequestosome 1; plus strand). Cytogenetic location: 5q35.3.
Variant type: Deletion.
Coding change: c.101_118del on transcript NM_003900.5 (MANE Select); coding-DNA positions 101 to 118, 18 bases deleted (AAGCCGAGGCTGCGGCGG).
Protein change: p.Glu34_Ala39del.
Molecular consequence: inframe deletion. On other transcripts: intron variant (2).
Genome position (GRCh38, 1-based): chr5:179,821,037-179,821,054, AAGCCGAGGCTGCGGCGG deleted; deleting any 18 consecutive bases within chr5:179,821,032-179,821,054 gives the same sequence; the c. name uses the placement nearest the transcript's 3' end. VCF-style (leftmost placement, unchanged base first): chr5-179821031-AGGCGGAAGCCGAGGCTGC-A. GRCh37 (hg19) VCF-style: chr5-179248031-AGGCGGAAGCCGAGGCTGC-A.
Other names: c.-47-1921_-47-1904del (NM_001142298.2, NM_001142299.2).
Identifiers: ClinVar variation 2575794 (VCV002575794.1), dbSNP rs1757753971, ClinGen allele CA1604326927.